The following is an entry in ClinVar:

NM_017697.4(ESRP1):c.987C>T (p.Arg329=)

Gene: ESRP1 (epithelial splicing regulatory protein 1; plus strand). Cytogenetic location: 8q22.1.
Variant type: single nucleotide variant.
Coding change: c.987C>T on transcript NM_017697.4 (MANE Select); coding-DNA position 987, C replaced by T.
Protein change: p.Arg329=; no amino-acid change (arginine 329 retained).
Molecular consequence: synonymous variant.
Genome position (GRCh38, 1-based): chr8:94,668,004, C>T. VCF-style: chr8-94668004-C-T. GRCh37 (hg19) VCF-style: chr8-95680232-C-T.
Other names: c.987C>T (NM_017697.3); c.987C>T, p.Arg329= (NM_001034915.3, NM_001122825.2, NM_001122826.2 and 1 more transcripts).
Identifiers: ClinVar variation 1879719 (VCV001879719.31), dbSNP rs192126694, ClinGen allele CA4812185.

ClinVar aggregate classification (germline): Likely benign. Review status: criteria provided, multiple submitters, no conflicts (2 of 4 stars). 3 submissions from 3 submitters: Likely benign (2). 1 of the submissions does not count toward it. Last evaluated 2024-11-27.

Conditions:
ESRP1-related disorder. Also called: ESRP1-related condition.

Allele frequency attached by ClinVar (database versions not stated): TOPMed 0.00053; 1000 Genomes Project 30x 0.00062; ESP Exome Variant Server 0.00067; gnomAD 0.00079; 1000 Genomes Project 0.00080; gnomAD exomes 0.00088; ExAC 0.00136.
gnomAD v4.1: 1,387 of 1,612,926 alleles (0.086%); highest among the groups gnomAD compares: Non-Finnish European, 0.083%; 1 homozygote.

Submissions (3):

Blueprint Genetics
Classification: Likely benign. Last evaluated: 2024-11-27. Review status: criteria provided, single submitter. Criteria: ACMG Guidelines, 2015. Collection method: clinical testing. Allele origin: germline.

CeGaT Center for Human Genetics Tuebingen
Classification: Likely benign. Last evaluated: 2024-03-01. Review status: criteria provided, single submitter. Criteria: CeGaT Center For Human Genetics Tuebingen Variant Classification Criteria Version 2. Collection method: clinical testing. Allele origin: germline. Affected: yes. Observed: 2 variant alleles.
Comment: ESRP1: BP4, BP7

PreventionGenetics, part of Exact Sciences
Classification: Likely benign for ESRP1-related condition. Last evaluated: 2019-07-11. Review status: no assertion criteria provided. Collection method: clinical testing. Allele origin: germline. Not counted in ClinVar's aggregate classification.
Comment: This variant is classified as likely benign based on ACMG/AMP sequence variant interpretation guidelines (Richards et al. 2015 PMID: 25741868, with internal and published modifications).